The following is an entry in ClinVar:

NM_000330.4(RS1):c.262C>T (p.Gln88Ter)

Genes: CDKL5 (cyclin dependent kinase like 5; plus strand), RS1 (retinoschisin 1; minus strand). Cytogenetic location: Xp22.13.
Variant type: single nucleotide variant.
Coding change: c.262C>T on transcript NM_000330.4 (MANE Select); coding-DNA position 262, C replaced by T.
Protein change: p.Gln88Ter; replaces glutamine 88 with a stop codon.
Molecular consequence: nonsense. On other transcripts: intron variant (2).
Genome position (GRCh38, 1-based): chrX:18,647,255, G>A on the plus strand (C>T on the coding strand, the complement: RS1 is on the minus strand). VCF-style: chrX-18647255-G-A. GRCh37 (hg19) VCF-style: chrX-18665375-G-A.
Other names: c.2797+1165G>A (NM_003159.3, NM_001037343.2); short protein forms Q88*.
Identifiers: ClinVar variation 98922 (VCV000098922.7), dbSNP rs61750459, ClinGen allele CA226642.

ClinVar aggregate classification (germline): Pathogenic. Review status: criteria provided, single submitter (1 of 4 stars). 2 submissions from 2 submitters: Pathogenic (1). 1 of the submissions does not count toward it. Last evaluated 2022-07-23.

Submissions (2):

Labcorp Genetics (formerly Invitae), Labcorp
Classification: Pathogenic. Last evaluated: 2022-07-23. Review status: criteria provided, single submitter. Criteria: Invitae Variant Classification Sherloc (09022015). Collection method: clinical testing. Allele origin: germline.
Comment: This sequence change creates a premature translational stop signal (p.Gln88*) in the RS1 gene. It is expected to result in an absent or disrupted protein product. Loss-of-function variants in RS1 are known to be pathogenic (PMID: 9618178, 17172462). For these reasons, this variant has been classified as Pathogenic. ClinVar contains an entry for this variant (Variation ID: 98922). This premature translational stop signal has been observed in individual(s) with retinoschisis (PMID: 10220153). This variant is not present in population databases (gnomAD no frequency).

Retina International
No classification provided. Review status: no classification provided. Collection method: not provided. Allele origin: unknown. Not counted in ClinVar's aggregate classification.

Literature cited by the submitters: PubMed 9618178 (cited by Labcorp Genetics (formerly Invitae), Labcorp); PubMed 17172462 (cited by Labcorp Genetics (formerly Invitae), Labcorp); PubMed 10220153 (cited by Labcorp Genetics (formerly Invitae), Labcorp).